The following is an entry in ClinVar:

ClinVar aggregate classification (germline): Uncertain significance (1 of 4 stars; one submission).

Conditions:
Hereditary spastic paraplegia 3A (SPG3A). Also called: Spastic Paraplegia 3A; Spastic paraplegia 3A, autosomal dominant; SPASTIC PARAPLEGIA 3, AUTOSOMAL DOMINANT; FAMILIAL SPASTIC PARAPLEGIA, AUTOSOMAL DOMINANT, 1; SPG3; STRUMPELL DISEASE. Identifiers: Orphanet 100984, MedGen C2931355, MONDO:0008437, OMIM 182600.

Allele frequency attached by ClinVar (database versions not stated): gnomAD exomes below 0.00001; ExAC 0.00001.

Submission:

Labcorp Genetics (formerly Invitae), Labcorp
Classification: Uncertain significance for Hereditary spastic paraplegia 3A. Last evaluated: 2024-03-06. Review status: criteria provided, single submitter. Criteria: Invitae Variant Classification Sherloc (09022015). Collection method: clinical testing. Allele origin: germline.
Comment: This sequence change replaces tyrosine, which is neutral and polar, with histidine, which is basic and polar, at codon 525 of the ATL1 protein (p.Tyr525His). This variant is present in population databases (rs766795888, gnomAD 0.0009%). This variant has not been reported in the literature in individuals affected with ATL1-related conditions. ClinVar contains an entry for this variant (Variation ID: 647505). Advanced modeling of protein sequence and biophysical properties (such as structural, functional, and spatial information, amino acid conservation, physicochemical variation, residue mobility, and thermodynamic stability) performed at Invitae indicates that this missense variant is not expected to disrupt ATL1 protein function with a negative predictive value of 95%. In summary, the available evidence is currently insufficient to determine the role of this variant in disease. Therefore, it has been classified as a Variant of Uncertain Significance.

NM_015915.5(ATL1):c.1573T>C (p.Tyr525His)

Gene: ATL1 (atlastin GTPase 1; plus strand). Cytogenetic location: 14q22.1.
Variant type: single nucleotide variant.
Coding change: c.1573T>C on transcript NM_015915.5 (MANE Select); coding-DNA position 1573, T replaced by C.
Protein change: p.Tyr525His; replaces tyrosine 525 with histidine.
Molecular consequence: missense variant.
Genome position (GRCh38, 1-based): chr14:50,632,235, T>C. VCF-style: chr14-50632235-T-C. GRCh37 (hg19) VCF-style: chr14-51098953-T-C.
Other names: c.1558T>C, p.Tyr520His (NM_001127713.1, NM_181598.4); short protein forms Y520H, Y525H.
Identifiers: ClinVar variation 647505 (VCV000647505.8), dbSNP rs766795888, ClinGen allele CA7180554.